The following is an entry in ClinVar:

ClinVar aggregate classification (germline): Conflicting classifications of pathogenicity. Review status: criteria provided, conflicting classifications (1 of 4 stars). 2 submissions from 2 submitters: Likely pathogenic (1); Uncertain significance (1). Last evaluated 2024-01-01.

Conditions:
ACTG1-related disorder. Also called: ACTG1-related disorders; ACTG1-related condition.
Inborn genetic diseases. Identifiers: MedGen C0950123, MeSH D030342.

Submissions (2):

Daryl Scott Lab, Baylor College of Medicine
Classification: Likely pathogenic for ACTG1-related disorder. Last evaluated: 2024-01-01. Review status: criteria provided, single submitter. Criteria: ACMG Guidelines, 2015. Collection method: clinical testing. Allele origin: de novo. Affected: yes. Observed: 1 heterozygote.
Comment: PS2, PM2, PP3

Ambry Genetics
Classification: Uncertain significance for Inborn genetic diseases. Last evaluated: 2017-12-15. Review status: criteria provided, single submitter. Criteria: Ambry exome assertion method (8-5-2015). Collection method: clinical testing. Allele origin: germline. Affected: yes. Observed: 1 variant allele.

NM_001614.5(ACTG1):c.50G>A (p.Cys17Tyr)

Genes: ACTG1 (actin gamma 1; minus strand), LOC130061940 (ATAC-STARR-seq lymphoblastoid active region 12964; plus strand). Cytogenetic location: 17q25.3.
Variant type: single nucleotide variant.
Coding change: c.50G>A on transcript NM_001614.5 (MANE Select); coding-DNA position 50, G replaced by A.
Protein change: p.Cys17Tyr; replaces cysteine 17 with tyrosine.
Molecular consequence: missense variant. On other transcripts: non-coding transcript variant (1).
Genome position (GRCh38, 1-based): chr17:81,512,305, C>T on the plus strand (G>A on the coding strand, the complement: ACTG1 is on the minus strand). VCF-style: chr17-81512305-C-T. GRCh37 (hg19) VCF-style: chr17-79479331-C-T.
Other names: c.50G>A, p.Cys17Tyr (NM_001199954.3); short protein forms C17Y.
Identifiers: ClinVar variation 985561 (VCV000985561.4), dbSNP rs2031855864, ClinGen allele CA401463816.